The following is an entry in ClinVar:

NM_004744.5(LRAT):c.541-16A>G

Gene: LRAT (lecithin retinol acyltransferase; plus strand). Cytogenetic location: 4q32.1.
Variant type: single nucleotide variant.
Coding change: c.541-16A>G on transcript NM_004744.5 (MANE Select); 16 bases into the intron before coding-DNA position 541, A replaced by G.
Molecular consequence: intron variant.
Genome position (GRCh38, 1-based): chr4:154,748,968, A>G. VCF-style: chr4-154748968-A-G. GRCh37 (hg19) VCF-style: chr4-155670120-A-G.
Other names: c.541-16A>G (NM_001301645.2).
Identifiers: ClinVar variation 4072270 (VCV004072270.1).

ClinVar aggregate classification (germline): Uncertain significance (1 of 4 stars; one submission).

Conditions:
Leber congenital amaurosis 14 (LCA14). Identifiers: MedGen C2750063, MONDO:0013231, OMIM 613341.

gnomAD v4.1: 13 of 1,613,060 alleles (0.00081%); highest among the groups gnomAD compares: South Asian, 0.012%; no homozygotes.

Submission:

3billion
Classification: Uncertain significance for Leber congenital amaurosis 14. Last evaluated: 2024-07-15. Review status: criteria provided, single submitter. Criteria: ACMG Guidelines, 2015. Collection method: clinical testing. Allele origin: germline. Affected: yes.
Comment: The variant is observed at an extremely low frequency in the gnomAD v4.0.0 dataset (total allele frequency: <0.001%). Predicted Consequence/Location: Intron variant In silico tools predict the variant to alter splicing and produce an abnormal transcript [SpliceAI: 0.58 (>=0.2, moderate evidence for spliceogenicity)]. Therefore, this variant is classified as VUS according to the recommendation of ACMG/AMP guideline.